The following is an entry in ClinVar:

ClinVar aggregate classification (germline): Benign/Likely benign. Review status: criteria provided, multiple submitters, no conflicts (2 of 4 stars). 11 submissions from 11 submitters: Benign (6); Likely benign (5). Last evaluated 2026-04-17.

Conditions:
DICER1-related tumor predisposition. Also called: DICER1 syndrome; DICER1-related pleuropulmonary blastoma cancer predisposition syndrome. Identifiers: Orphanet 284343, MedGen C3839822, MONDO:0100216.
Hereditary cancer-predisposing syndrome. Also called: Tumor predisposition; Hereditary Cancer Syndrome; Neoplastic Syndromes, Hereditary; Hereditary neoplastic syndrome. Identifiers: Orphanet 140162, MedGen C0027672, MeSH D009386, MONDO:0015356.
Global developmental delay - lung cysts - overgrowth - Wilms tumor syndrome. Also called: GLOBAL DEVELOPMENTAL DELAY, LUNG CYSTS, OVERGROWTH, AND WILMS TUMOR; GLOW Syndrome. Identifiers: Orphanet 404476, MedGen C4748924, MONDO:0018445, OMIM 618272.
Pleuropulmonary blastoma (PPB). Identifiers: Orphanet 64742, MedGen C1266144, MONDO:0011014, OMIM 601200, HP:0100528.
Rhabdomyosarcoma, embryonal, 2 (RMSE2). Identifiers: MedGen C1867234, MONDO:0859046, OMIM 180295.
Euthyroid goiter (MNG1). Also called: Goiter, multinodular 1, with or without Sertoli-Leydig cell tumors; GOITER, NONTOXIC, WITH INTRATHYROIDAL CALCIFICATION; MULTINODULAR GOITER, ADOLESCENT; SIMPLE GOITER. Identifiers: Orphanet 276399, MedGen C0302859, MONDO:0007681, OMIM 138800, HP:0009798.

Allele frequency attached by ClinVar (database versions not stated): gnomAD exomes 0.00011 and 0.00028; ExAC 0.00027; 1000 Genomes Project 30x 0.00109; gnomAD 0.00112 and 0.00123; 1000 Genomes Project 0.00120; TOPMed 0.00124; ESP Exome Variant Server 0.00131.

Submissions (11):

Myriad Genetics, Inc.
Classification: Benign for DICER1-related tumor predisposition. Last evaluated: 2026-04-17. Review status: criteria provided, single submitter. Criteria: Myriad Autosomal Dominant, Autosomal Recessive and X-Linked Classification Criteria (2023). Collection method: clinical testing. Allele origin: unknown.
Comment: This variant is considered benign. This variant is a silent/synonymous amino acid change and it is not expected to impact splicing.

Labcorp Genetics (formerly Invitae), Labcorp
Classification: Benign for DICER1-related tumor predisposition. Last evaluated: 2026-02-03. Review status: criteria provided, single submitter. Criteria: Invitae Variant Classification Sherloc (09022015). Collection method: clinical testing. Allele origin: germline.

ARUP Laboratories, Molecular Genetics and Genomics, ARUP Laboratories
Classification: Benign. Last evaluated: 2025-05-06. Review status: criteria provided, single submitter. Criteria: ARUP Molecular Germline Variant Investigation Process 2024. Collection method: clinical testing. Allele origin: germline.

KCCC/NGS Laboratory, Kuwait Cancer Control Center
Classification: Benign for Pleuropulmonary blastoma. Last evaluated: 2025-02-01. Review status: criteria provided, single submitter. Criteria: ACMG Guidelines, 2015. Collection method: clinical testing. Allele origin: germline. Affected: no.

CeGaT Center for Human Genetics Tuebingen
Classification: Likely benign. Last evaluated: 2024-06-01. Review status: criteria provided, single submitter. Criteria: CeGaT Center For Human Genetics Tuebingen Variant Classification Criteria Version 2. Collection method: clinical testing. Allele origin: germline. Affected: yes. Observed: 1 variant allele.
Comment: DICER1: BP4, BP7, BS1

Fulgent Genetics
Classification: Likely benign for Euthyroid goiter; Rhabdomyosarcoma, embryonal, 2; Pleuropulmonary blastoma; Global developmental delay - lung cysts - overgrowth - Wilms tumor syndrome. Last evaluated: 2021-09-27. Review status: criteria provided, single submitter. Criteria: ACMG Guidelines, 2015. Collection method: clinical testing. Allele origin: unknown.

GeneDx
Classification: Likely benign. Last evaluated: 2021-03-24. Review status: criteria provided, single submitter. Criteria: GeneDx Variant Classification Process June 2021. Collection method: clinical testing. Allele origin: germline. Affected: yes.
Comment: This variant is associated with the following publications: (PMID: 23620094)

Sema4
Classification: Benign for Hereditary cancer-predisposing syndrome. Last evaluated: 2020-09-10. Review status: criteria provided, single submitter. Criteria: Sema4 Curation Guidelines. Collection method: curation. Allele origin: germline.

Illumina Laboratory Services, Illumina
Classification: Benign for Pleuropulmonary blastoma. Last evaluated: 2018-01-12. Review status: criteria provided, single submitter. Criteria: ICSL Variant Classification Criteria 13 December 2019. Collection method: clinical testing. Allele origin: germline.
Comment: This variant was observed in the ICSL laboratory as part of a predisposition screen in an ostensibly healthy population. It had not been previously curated by ICSL or reported in the Human Gene Mutation Database (HGMD: prior to June 1st, 2018), and was therefore a candidate for classification through an automated scoring system. Utilizing variant allele frequency, disease prevalence and penetrance estimates, and inheritance mode, an automated score was calculated to assess if this variant is too frequent to cause the disease. Based on the score and internal cut-off values, a variant classified as benign is not then subjected to further curation. The score for this variant resulted in a classification of benign for this disease.

Ambry Genetics
Classification: Likely benign for Hereditary cancer-predisposing syndrome. Last evaluated: 2017-03-06. Review status: criteria provided, single submitter. Criteria: Ambry Variant Classification Scheme 2023. Collection method: clinical testing. Allele origin: germline.

Breakthrough Genomics
Classification: Likely benign. Review status: criteria provided, single submitter. Criteria: ACMG Guidelines, 2015. Collection method: not provided. Allele origin: germline. Inheritance: Autosomal dominant inheritance. Affected: yes.

NM_177438.3(DICER1):c.3213A>G (p.Arg1071=)

Gene: DICER1 (dicer 1, ribonuclease III; minus strand). Cytogenetic location: 14q32.13.
Variant type: single nucleotide variant.
Coding change: c.3213A>G on transcript NM_177438.3 (MANE Select); coding-DNA position 3213, A replaced by G.
Protein change: p.Arg1071=; no amino-acid change (arginine 1071 retained).
Molecular consequence: synonymous variant.
Genome position (GRCh38, 1-based): chr14:95,105,127, T>C on the plus strand (A>G on the coding strand, the complement: DICER1 is on the minus strand). VCF-style: chr14-95105127-T-C. GRCh37 (hg19) VCF-style: chr14-95571464-T-C.
Other names: c.3213A>G, p.Arg1071= (NM_001195573.1, NM_001271282.3, NM_001291628.2 and 1 more transcripts).
Identifiers: ClinVar variation 242080 (VCV000242080.47), dbSNP rs148959399, ClinGen allele CA7331085.